The following is an entry in ClinVar:

ClinVar aggregate classification (germline): Uncertain significance. Review status: criteria provided, multiple submitters, no conflicts (2 of 4 stars). 2 submissions from 2 submitters: Uncertain significance (2). Last evaluated 2025-06-30.

Conditions:
Brugada syndrome. Also called: Sudden Unexplained Death Syndrome; Sudden Unexplained Nocturnal Death Syndrome (SUNDS); Sudden unexpected nocturnal death syndrome; Sudden unexplained nocturnal death syndrome. Identifiers: Orphanet 130, MedGen C1142166, MONDO:0015263.

Allele frequency attached by ClinVar (database versions not stated): ExAC 0.00002; gnomAD 0.00002; TOPMed 0.00002; gnomAD exomes 0.00004; ESP Exome Variant Server 0.00008.
gnomAD v4.1: 60 of 1,613,340 alleles (0.0037%); highest among the groups gnomAD compares: Non-Finnish European, 0.0047%; no homozygotes.

Submissions (2):

Labcorp Genetics (formerly Invitae), Labcorp
Classification: Uncertain significance for Brugada syndrome. Last evaluated: 2025-06-30. Review status: criteria provided, single submitter. Criteria: Invitae Variant Classification Sherloc (09022015). Collection method: clinical testing. Allele origin: germline.
Comment: This sequence change replaces phenylalanine, which is neutral and non-polar, with cysteine, which is neutral and slightly polar, at codon 504 of the SLMAP protein (p.Phe504Cys). This variant is present in population databases (rs148044894, gnomAD 0.003%). This variant has not been reported in the literature in individuals affected with SLMAP-related conditions. ClinVar contains an entry for this variant (Variation ID: 1774223). An algorithm developed to predict the effect of missense changes on protein structure and function (PolyPhen-2) suggests that this variant is likely to be disruptive. In summary, the available evidence is currently insufficient to determine the role of this variant in disease. Therefore, it has been classified as a Variant of Uncertain Significance.

Ambry Genetics
Classification: Uncertain significance. Last evaluated: 2022-05-20. Review status: criteria provided, single submitter. Criteria: Ambry Variant Classification Scheme 2023. Collection method: clinical testing. Allele origin: germline.
Comment: The p.F504C variant (also known as c.1511T>G), located in coding exon 15 of the SLMAP gene, results from a T to G substitution at nucleotide position 1511. The phenylalanine at codon 504 is replaced by cysteine, an amino acid with highly dissimilar properties. This amino acid position is conserved. In addition, this alteration is predicted to be tolerated by in silico analysis. Since supporting evidence is limited at this time, the clinical significance of this alteration remains unclear.

NM_001377540.1(SLMAP):c.1613T>G (p.Phe538Cys)

Gene: SLMAP (sarcolemma associated protein; plus strand). Cytogenetic location: 3p14.3.
Variant type: single nucleotide variant.
Coding change: c.1613T>G on transcript NM_001377540.1 (MANE Select); coding-DNA position 1613, T replaced by G.
Protein change: p.Phe538Cys; replaces phenylalanine 538 with cysteine.
Molecular consequence: missense variant. On other transcripts: intron variant (12).
Genome position (GRCh38, 1-based): chr3:57,907,995, T>G. VCF-style: chr3-57907995-T-G. GRCh37 (hg19) VCF-style: chr3-57893722-T-G.
Other names: c.1562T>G, p.Phe521Cys (NM_001304420.3, NM_001377541.1, NM_001377542.1); c.1448T>G, p.Phe483Cys (NM_001304421.2, NM_001377557.1, NM_001377559.1); c.164T>G, p.Phe55Cys (NM_001304422.3, NM_001311178.2); c.1613T>G, p.Phe538Cys (NM_001377538.1, NM_001377539.1); c.1550T>G, p.Phe517Cys (NM_001377545.1); c.1511T>G, p.Phe504Cys (NM_001377549.1, NM_007159.5); c.1499T>G, p.Phe500Cys (NM_001377551.1, NM_001377552.1); c.1502-1081T>G (NM_001377555.1); and 7 more; short protein forms F538C, F517C, F521C, F55C, F483C, F504C, F500C.
Identifiers: ClinVar variation 1774223 (VCV001774223.3), dbSNP rs148044894, ClinGen allele CA2467184.